The following is an entry in ClinVar:

ClinVar aggregate classification (germline): Pathogenic (1 of 4 stars; one submission).

Allele frequency attached by ClinVar (database versions not stated): gnomAD 0.00001; TOPMed 0.00003.
gnomAD v4.1: 2 of 1,614,062 alleles (0.00012%); highest among the groups gnomAD compares: African/African-American, 0.0027%; no homozygotes.

Submission:

Labcorp Genetics (formerly Invitae), Labcorp
Classification: Pathogenic. Last evaluated: 2023-12-22. Review status: criteria provided, single submitter. Criteria: Invitae Variant Classification Sherloc (09022015). Collection method: clinical testing. Allele origin: germline.
Comment: This sequence change creates a premature translational stop signal (p.Gln1353*) in the TG gene. It is expected to result in an absent or disrupted protein product. Loss-of-function variants in TG are known to be pathogenic (PMID: 19837936, 23164529). This variant is present in population databases (no rsID available, gnomAD 0.01%). This premature translational stop signal has been observed in individual(s) with congenital hypothyroidism (PMID: 31607114). For these reasons, this variant has been classified as Pathogenic.

Literature cited by the submitters: PubMed 19837936; PubMed 23164529; PubMed 31607114.

NM_003235.5(TG):c.4057C>T (p.Gln1353Ter)

Gene: TG (thyroglobulin; plus strand). Cytogenetic location: 8q24.22.
Variant type: single nucleotide variant.
Coding change: c.4057C>T on transcript NM_003235.5 (MANE Select); coding-DNA position 4057, C replaced by T.
Protein change: p.Gln1353Ter; replaces glutamine 1353 with a stop codon.
Molecular consequence: nonsense.
Genome position (GRCh38, 1-based): chr8:132,911,431, C>T. VCF-style: chr8-132911431-C-T. GRCh37 (hg19) VCF-style: chr8-133923676-C-T.
Other names: short protein forms Q1353*.
Identifiers: ClinVar variation 2972625 (VCV002972625.3), dbSNP rs114157534, ClinGen allele CA372245151.